The following is an entry in ClinVar:

ClinVar aggregate classification (germline): Conflicting classifications of pathogenicity. Review status: criteria provided, conflicting classifications (1 of 4 stars). 2 submissions from 2 submitters: Likely pathogenic (1); Uncertain significance (1). Last evaluated 2025-02-21.

Conditions:
Cornelia de Lange syndrome 1 (CDLS1). Also called: NIPBL-Related Cornelia de Lange Syndrome; TYPUS DEGENERATIVUS AMSTELODAMENSIS; Brachmann de Lange syndrome. Identifiers: Orphanet 199, MedGen C4551851, MONDO:0007387, OMIM 122470.

Submissions (2):

Labcorp Genetics (formerly Invitae), Labcorp
Classification: Likely pathogenic for Cornelia de Lange syndrome 1. Last evaluated: 2025-02-21. Review status: criteria provided, single submitter. Criteria: Invitae Variant Classification Sherloc (09022015). Collection method: clinical testing. Allele origin: germline.
Comment: This sequence change replaces aspartic acid, which is acidic and polar, with tyrosine, which is neutral and polar, at codon 2155 of the NIPBL protein (p.Asp2155Tyr). This variant is not present in population databases (gnomAD no frequency). This missense change has been observed in individuals with clinical features of NIPBL-related conditions (PMID: 37377026; internal data). Invitae Evidence Modeling of protein sequence and biophysical properties (such as structural, functional, and spatial information, amino acid conservation, physicochemical variation, residue mobility, and thermodynamic stability) indicates that this missense variant is expected to disrupt NIPBL protein function with a positive predictive value of 95%. In summary, the currently available evidence indicates that the variant is pathogenic, but additional data are needed to prove that conclusively. Therefore, this variant has been classified as Likely Pathogenic.

3billion
Classification: Uncertain significance for Cornelia de Lange syndrome 1. Last evaluated: 2025-01-21. Review status: criteria provided, single submitter. Criteria: ACMG Guidelines, 2015. Collection method: clinical testing. Allele origin: germline. Affected: yes.
Comment: The variant is not observed in the gnomAD v4.1.0 dataset. Predicted Consequence/Location: Missense variant In silico tool predictions suggest damaging effect of the variant on gene or gene product [3Cnet: 0.91 (>=0.6, sensitivity 0.72 and precision 0.9)]. The same nucleotide change resulting in the same amino acid change has been previously reported to be associated with NIPBL-related disorder (PMID: 37377026). However, the evidence of pathogenicity is insufficient at this time. Therefore, this variant is classified as VUS according to the recommendation of ACMG/AMP guideline.

Literature cited by the submitters: PubMed 37377026 (cited by Labcorp Genetics (formerly Invitae), Labcorp and 3billion).

NM_133433.4(NIPBL):c.6463G>T (p.Asp2155Tyr)

Gene: NIPBL (NIPBL cohesin loading factor; plus strand). Cytogenetic location: 5p13.2.
Variant type: single nucleotide variant.
Coding change: c.6463G>T on transcript NM_133433.4 (MANE Select); coding-DNA position 6463, G replaced by T.
Protein change: p.Asp2155Tyr; replaces aspartic acid 2155 with tyrosine.
Molecular consequence: missense variant.
Genome position (GRCh38, 1-based): chr5:37,045,562, G>T. VCF-style: chr5-37045562-G-T. GRCh37 (hg19) VCF-style: chr5-37045664-G-T.
Other names: c.6463G>T, p.Asp2155Tyr (NM_001438586.1, NM_015384.5); short protein forms D2155Y.
Identifiers: ClinVar variation 4293517 (VCV004293517.2).